The following is an entry in ClinVar:

NM_007294.4(BRCA1):c.700del (p.Thr234fs)

Gene: BRCA1 (BRCA1 DNA repair associated; minus strand). Cytogenetic location: 17q21.31.
Variant type: Deletion.
Coding change: c.700del on transcript NM_007294.4 (MANE Select); coding-DNA position 700, one base deleted (A; older notation c.700delA).
Protein change: p.Thr234fs; shifts the reading frame from threonine 234.
Molecular consequence: frameshift variant. On other transcripts: non-coding transcript variant (1).
Genome position (GRCh38, 1-based): chr17:43,094,831, T deleted on the plus strand (A on the coding strand, the reverse complement: BRCA1 is on the minus strand); the first of 2 consecutive T bases (chr17:43,094,831-43,094,832); deleting either gives the same sequence. VCF-style (leftmost placement, unchanged base first): chr17-43094830-GT-G. GRCh37 (hg19) VCF-style: chr17-41246847-GT-G.
Other names: c.576delA, p.Thr193Glnfs (NM_001407683.1, NM_001408436.1, NM_001408437.1 and 34 more transcripts); c.696delA, p.Thr233Glnfs (NM_001407634.1, NM_001407635.1, NM_001407637.1 and 38 more transcripts); c.699delA, p.Thr234Glnfs (NM_001407639.1, NM_001407640.1, NM_001407684.1 and 52 more transcripts); c.573delA, p.Thr192Glnfs (NM_001407686.1, NM_001408445.1, NM_001408446.1 and 20 more transcripts); c.621delA, p.Thr208Glnfs (NM_001407657.1, NM_001407658.1, NM_001407663.1 and 9 more transcripts); c.618delA, p.Thr207Glnfs (NM_001407659.1, NM_001407660.1, NM_001407661.1 and 3 more transcripts); c.558delA, p.Thr187Glnfs (NM_001407692.1, NM_001407694.1, NM_001407695.1 and 42 more transcripts); c.555delA, p.Thr186Glnfs (NM_001407740.1, NM_001407741.1, NM_001407742.1 and 26 more transcripts); and 17 more; short protein forms T187fs, T234fs.
Identifiers: ClinVar variation 1756673 (VCV001756673.2), dbSNP rs2552230774, ClinGen allele CA2499224585.
Genomic context (GRCh38, chr17:43,094,830, plus strand): 5'-GCTGCACGCTTCTCAGTGGTGTTCAAATCATTATTACTGGGTTGATGATGTTCAGTATTT[GT>G]TACATCCGTCTCAGAAAATTCACAAGCAGCTGAAAATATACAAAAATAACAAGGTACTCA-3'

ClinVar aggregate classification (germline): Pathogenic (1 of 4 stars; one submission).

Conditions:
Hereditary cancer-predisposing syndrome. Also called: Neoplastic Syndromes, Hereditary; Tumor predisposition; Hereditary Cancer Syndrome; Hereditary neoplastic syndrome. Identifiers: Orphanet 140162, MedGen C0027672, MeSH D009386, MONDO:0015356.

Submission:

Ambry Genetics
Classification: Pathogenic for Hereditary cancer-predisposing syndrome. Last evaluated: 2021-06-23. Review status: criteria provided, single submitter. Criteria: Ambry Variant Classification Scheme 2023. Collection method: clinical testing. Allele origin: germline.
Comment: The c.700delA pathogenic mutation, located in coding exon 9 of the BRCA1 gene, results from a deletion of one nucleotide at nucleotide position 700, causing a translational frameshift with a predicted alternate stop codon (p.T234Qfs*13). This mutation has been identified in a Japanese HBOC cohort (Arai M et al. J Hum Genet, 2018 Apr;63:447-457). In addition, this alteration is expected to result in loss of function by premature protein truncation or nonsense-mediated mRNA decay. As such, this alteration is interpreted as a disease-causing mutation.

Literature cited by the submitters: PubMed 29176636.